The following is an entry in ClinVar:

NM_013432.5(TONSL):c.3608C>A (p.Ala1203Asp)

Gene: TONSL (tonsoku like, DNA repair protein; minus strand). Cytogenetic location: 8q24.3.
Variant type: single nucleotide variant.
Coding change: c.3608C>A on transcript NM_013432.5 (MANE Select); coding-DNA position 3608, C replaced by A.
Protein change: p.Ala1203Asp; replaces alanine 1203 with aspartic acid.
Molecular consequence: missense variant.
Genome position (GRCh38, 1-based): chr8:144,432,412, G>T on the plus strand (C>A on the coding strand, the complement: TONSL is on the minus strand). VCF-style: chr8-144432412-G-T. GRCh37 (hg19) VCF-style: chr8-145657795-G-T.
Other names: short protein forms A1203D.
Identifiers: ClinVar variation 1939844 (VCV001939844.2), dbSNP rs781938777, ClinGen allele CA372642016.

ClinVar aggregate classification (germline): Uncertain significance (1 of 4 stars; one submission).

gnomAD v4.1: 2 of 1,588,142 alleles (0.00013%); highest among the groups gnomAD compares: Admixed American, 0.0037%; no homozygotes.

Submission:

Labcorp Genetics (formerly Invitae), Labcorp
Classification: Uncertain significance. Last evaluated: 2022-02-28. Review status: criteria provided, single submitter. Criteria: Invitae Variant Classification Sherloc (09022015). Collection method: clinical testing. Allele origin: germline.
Comment: This sequence change replaces alanine, which is neutral and non-polar, with aspartic acid, which is acidic and polar, at codon 1203 of the TONSL protein (p.Ala1203Asp). This variant is present in population databases (no rsID available, gnomAD 0.007%). This variant has not been reported in the literature in individuals affected with TONSL-related conditions. Algorithms developed to predict the effect of missense changes on protein structure and function (SIFT, PolyPhen-2, Align-GVGD) all suggest that this variant is likely to be tolerated. In summary, the available evidence is currently insufficient to determine the role of this variant in disease. Therefore, it has been classified as a Variant of Uncertain Significance.